The following is an entry in ClinVar:

NM_001371986.1(UNC80):c.7870C>T (p.Arg2624Cys)

Gene: UNC80 (unc-80 homolog, NALCN channel complex subunit; plus strand). Cytogenetic location: 2q34.
Variant type: single nucleotide variant.
Coding change: c.7870C>T on transcript NM_001371986.1 (MANE Select); coding-DNA position 7870, C replaced by T.
Protein change: p.Arg2624Cys; replaces arginine 2624 with cysteine.
Molecular consequence: missense variant.
Genome position (GRCh38, 1-based): chr2:209,967,501, C>T. VCF-style: chr2-209967501-C-T. GRCh37 (hg19) VCF-style: chr2-210832225-C-T.
Other names: c.7672C>T, p.Arg2558Cys (NM_032504.2); c.7657C>T, p.Arg2553Cys (NM_182587.4); short protein forms R2553C, R2558C, R2624C.
Identifiers: ClinVar variation 1328718 (VCV001328718.3), dbSNP rs1006036798, ClinGen allele CA65045227.

ClinVar aggregate classification (germline): Uncertain significance. Review status: criteria provided, multiple submitters, no conflicts (2 of 4 stars). 2 submissions from 2 submitters: Uncertain significance (2). Last evaluated 2025-03-07.

Conditions:
Inborn genetic diseases. Identifiers: MedGen C0950123, MeSH D030342.

Allele frequency attached by ClinVar (database versions not stated): TOPMed 0.00004; gnomAD 0.00002.
gnomAD v4.1: 59 of 1,551,386 alleles (0.0038%); highest among the groups gnomAD compares: African/African-American, 0.0096%; no homozygotes.

Submissions (2):

Ambry Genetics
Classification: Uncertain significance for Inborn genetic diseases. Last evaluated: 2025-03-07. Review status: criteria provided, single submitter. Criteria: Ambry Variant Classification Scheme 2023. Collection method: clinical testing. Allele origin: germline.

GeneDx
Classification: Uncertain significance. Last evaluated: 2021-06-17. Review status: criteria provided, single submitter. Criteria: GeneDx Variant Classification Process June 2021. Collection method: clinical testing. Allele origin: germline. Affected: yes.
Comment: Has not been previously published as pathogenic or benign to our knowledge; In silico analysis supports that this missense variant has a deleterious effect on protein structure/function; This variant is associated with the following publications: (PMID: 27535533)

Literature cited by the submitters: PubMed 28191889 (cited by Ambry Genetics).